The following is an entry in ClinVar:

NM_001267550.2(TTN):c.11183dup (p.Leu3729fs)

Gene: TTN (titin; minus strand). Cytogenetic location: 2q31.2.
Variant type: Duplication.
Coding change: c.11183dup on transcript NM_001267550.2 (MANE Select); coding-DNA position 11183, one base duplicated (G; older notation c.11183dupG).
Protein change: p.Leu3729fs; shifts the reading frame from leucine 3729.
Molecular consequence: frameshift variant. On other transcripts: intron variant (5).
Genome position (GRCh38, 1-based): chr2:178,756,293, C duplicated on the plus strand (G on the coding strand, the reverse complement: TTN is on the minus strand); the first of 2 consecutive C bases (chr2:178,756,293-178,756,294); duplicating either gives the same sequence. VCF-style (leftmost placement, unchanged base first): chr2-178756292-T-TC. GRCh37 (hg19) VCF-style: chr2-179621019-T-TC.
Other names: c.11183dupG (LRG_391t1, NM_001267550.2); c.10303+2691dup (NM_001256850.1); c.10303+2691dupG (NM_133378.4); c.10670dup, p.Leu3558fs (NM_133437.4); c.10165+2690dup (NM_003319.4); c.10540+1248dup (NM_133432.3); c.10303+2690dup (NM_133378.4, NM_001256850.1, NM_133379.5); short protein forms L3558fs, L3729fs.
Identifiers: ClinVar variation 202507 (VCV000202507.36), dbSNP rs778172350, ClinGen allele CA238217.

ClinVar aggregate classification (germline): Conflicting classifications of pathogenicity. Review status: criteria provided, conflicting classifications (1 of 4 stars). 11 submissions from 10 submitters: Likely pathogenic (1); Uncertain significance (8); Likely benign (1). 1 of the submissions does not count toward it. Last evaluated 2026-09-04.

Conditions:
TTN-related disorder. Also called: TTN-related condition; TTN-related disease; TTN-related disorders.
Early-onset myopathy with fatal cardiomyopathy (CMYO5). Also called: Salih Myopathy; CONGENITAL MYOPATHY 5 WITH CARDIOMYOPATHY. Identifiers: Orphanet 289377, MedGen C2673677, MONDO:0012714, OMIM 611705. Disease mechanism: loss of function.
Autosomal recessive limb-girdle muscular dystrophy type 2J (LGMDR10). Also called: Limb-girdle muscular dystrophy, type 2J; MUSCULAR DYSTROPHY, LIMB-GIRDLE, AUTOSOMAL RECESSIVE 10. Identifiers: Orphanet 140922, MedGen C1837342, MONDO:0012127, OMIM 608807.
Myopathy, myofibrillar, 9, with early respiratory failure (MFM9). Also called: EDSTROM MYOPATHY; MYOPATHY, PROXIMAL, WITH EARLY RESPIRATORY MUSCLE INVOLVEMENT; Myopathy, distal, with early respiratory failure, autosomal dominant; Hereditary myopathy with early respiratory failure. Identifiers: Orphanet 178464, Orphanet 34521, MedGen C1863599, MONDO:0011362, OMIM 603689.
Dilated cardiomyopathy 1G (CMD1G). Identifiers: Orphanet 154, MedGen C1858763, MONDO:0011400, OMIM 604145.
Tibial muscular dystrophy (TMD). Also called: Tibial muscular dystrophy, tardive; UDD MYOPATHY; Udd Distal Myopathy – Tibial Muscular Dystrophy. Identifiers: Orphanet 609, MedGen C1838244, MONDO:0010870, OMIM 600334.
Hypertrophic cardiomyopathy 9. Also called: Familial hypertrophic cardiomyopathy 9. Identifiers: MedGen C1861065, MONDO:0013412, OMIM 613765.
Cardiomyopathy (CMYO). Also called: Cardiomyopathies. Identifiers: Orphanet 167848, MedGen C0878544, MONDO:0004994, HP:0001638. Inheritance: Various modes of inheritance.
Primary dilated cardiomyopathy (DCM). Also called: Dilated Cardiomyopathy. Identifiers: Orphanet 217604, MedGen C0007193, MeSH D002311, MONDO:0005021, HP:0001644. Inheritance: Various modes of inheritance.

Submissions (11):

PreventionGenetics, part of Exact Sciences
Classification: Uncertain significance for TTN-related condition. Last evaluated: 2026-09-04. Review status: criteria provided, single submitter. Criteria: ACMG Guidelines, 2015. Collection method: clinical testing. Allele origin: germline.
Comment: The TTN c.11183dupG variant is predicted to result in a frameshift and premature protein termination (p.Leu3729Thrfs*9). This variant has been reported in a small number of individuals with cardiac phenotypes in the literature; however, it is also present in individuals identified as controls, and no functional or family segregation studies support its pathogenicity (Roberts et al. 2015. PubMed ID: 25589632; Jansen et al. 2019. PubMed ID: 31112426; Marschall et al. 2019. PubMed ID: 31737537; Choi et al. 2020. PubMed ID: 31691645; Yoneda et al. 2021. PubMed ID: 34495297). This variant is located in exon 44 of the Novex-2 transcript (minor cardiac short isoform) and also included in the meta-transcript (NM_001267550.2). However, no other TTN transcripts include this exon and this variant would be deep intronic in these alternate transcripts. This exon is not constitutively expressed, indicating this variant is less likely to be causative for autosomal dominant disorders (PSI=4%; Roberts et al. 2015. PubMed ID: 25589632). This variant is reported in 0.02% of alleles in individuals of European (Non-Finnish) descent in gnomAD and is reported as uncertain by several labs in the ClinVar database (Variation ID: 202507). At this time, the clinical significance of this variant is uncertain due to the absence of conclusive functional and genetic evidence.

Institute of Immunology and Genetics Kaiserslautern
Classification: Likely pathogenic for Dilated cardiomyopathy 1G. Last evaluated: 2025-08-29. Review status: criteria provided, single submitter. Criteria: ACMG Guidelines, 2015. Collection method: clinical testing. Allele origin: germline. Affected: yes.
Comment: ACMG Criteria: PVS1, PM2; Variant was found in heterozygous state.

Women's Health and Genetics/Laboratory Corporation of America, LabCorp
Classification: Uncertain significance. Last evaluated: 2025-01-15. Review status: criteria provided, single submitter. Criteria: LabCorp Variant Classification Summary - May 2015. Collection method: clinical testing. Allele origin: germline.
Comment: Variant summary: TTN c.10303+2691dupG is located at a position not widely known to affect splicing. This variant corresponds to c.11183dupG, p.Leu3729ThrfsX9 in NM_001267550. Consensus agreement among computation tools predict no significant impact on normal splicing. However, these predictions have yet to be confirmed by functional studies. Loss of function variants in all TTN bands are strongly associated with a spectrum of autosomal recessive titinopathies when exon expression (proportion spliced in, PSI, 1=complete expression) in skeletal muscle is >0.1 (PMID: 36977548, 39198997, 29598826, 32778822, 29691892, 33449170, 36977548, internal data). In contrast, loss of function variants in all TTN bands are only strongly associated with autosomal dominant TTN-related cardiomyopathies if located in exons constitutively expressed (PSI >0.9) in cardiac muscle, excluding extreme C-terminal exons 359-363 (PMID: 25589632, 31216868, 32964742, 34662387, 27869827, Shetty et al., Nat Cardiovasc Res 2024,, internal data). This variant has a maximum skeletal muscle PSI of 0.001 and a maximum cardiac muscle PSI of 0.040. The variant allele was found at a frequency of 0.0001 in 248776 control chromosomes (gnomAD). This frequency is not significantly higher than estimated for a pathogenic variant in TTN causing Autosomal Dominant dilated cardiomyopathy (0.0001 vs 0.00039), allowing no conclusion about variant significance. This variant has been reported in the literature in a variety of settings, such as in controls and individuals with heart failure from the UK biobank cohort (example, Choi_2020), one Dilated Cardiomyopathy (DCM) proband from a cohort that underwent reverse-parent offspring analysis (example, Jansen_2019), in one individual from a cohort of patients with early-onset artial fibrillation (example, Yoneda_2021). These reports do not provide unequivocal conclusions about association of the variant with TTN-related conditions. At-least one co-occurrence with another pathogenic variant has been reported in an individual from a cohort with early-onset Atrial Fibrillation (AF diagnosed before the age of 66 years)(Yoneda_2021, MYH7 c.1988G>A, p.Arg663His), although the specific clinical details were not reported. To our knowledge, no experimental evidence demonstrating an impact on protein function has been reported. The following publications have been ascertained in the context of this evaluation (PMID: 31112426, 31691645, 34495297). ClinVar contains an entry for this variant (Variation ID: 202507). Based on the evidence outlined above and the lack of clinical evidence in a low PSI exon, the variant was classified as uncertain significance.

CeGaT Center for Human Genetics Tuebingen
Classification: Uncertain significance. Last evaluated: 2024-12-01. Review status: criteria provided, single submitter. Criteria: CeGaT Center For Human Genetics Tuebingen Variant Classification Criteria Version 2. Collection method: clinical testing. Allele origin: germline. Affected: yes. Observed: 3 variant alleles.
Comment: TTN: PVS1:Moderate, PS4:Supporting

Blueprint Genetics
Classification: Likely benign. Last evaluated: 2024-11-08. Review status: criteria provided, single submitter. Criteria: ACMG Guidelines, 2015. Collection method: clinical testing. Allele origin: germline.

Fulgent Genetics
Classification: Uncertain significance for Tibial muscular dystrophy; Myopathy, myofibrillar, 9, with early respiratory failure; Dilated cardiomyopathy 1G; Autosomal recessive limb-girdle muscular dystrophy type 2J; Early-onset myopathy with fatal cardiomyopathy; Hypertrophic cardiomyopathy 9. Last evaluated: 2024-06-10. Review status: criteria provided, single submitter. Criteria: ACMG Guidelines, 2015. Collection method: clinical testing. Allele origin: germline.

CHEO Genetics Diagnostic Laboratory, Children's Hospital of Eastern Ontario
Classification: Uncertain significance for Cardiomyopathy. Last evaluated: 2017-06-26. Review status: criteria provided, single submitter. Criteria: ACMG Guidelines, 2015. Collection method: clinical testing. Allele origin: germline. Study: Canadian Open Genetics Repository.

Cardiovascular Biomedical Research Unit, Royal Brompton & Harefield NHS Foundation Trust
Classification: Uncertain significance for Primary dilated cardiomyopathy. Last evaluated: 2014-10-08. Review status: criteria provided, single submitter. Criteria: Roberts et al. 2015. Collection method: research. Allele origin: germline. Inheritance: Autosomal dominant inheritance. Affected: no. Observed: 1 variant allele. Study: WHI cohort.
Comment: This TTN truncating variant (TTNtv) was identified in one individual in this cohort and is located in an exon with low levels of cardiac expression. In the seven cohorts assessed, TTNtv were found in 14% of ambulant DCM, 22% end-stage or familial DCM, and 2% controls. Heterozygous nonsense, frameshift and canonical splice-disrupting variants found in constitutive and other highly utilised exons are highly likely to be pathogenic when identified in individuals with phenotypically confirmed DCM. TTNtv found incidentally in healthy individuals (excluding familial assessment of DCM relatives) are thought to have low penetrance, particularly when identified in exons that are not constitutively expressed in the heart.

GeneDx
Classification: Uncertain significance. Last evaluated: 2014-02-17. Review status: criteria provided, single submitter. Criteria: GeneDx Variant Classification (06012015). Collection method: clinical testing. Allele origin: germline. Affected: yes.
Comment: c.10670dupG: p.Leu3558ThrfsX9 (L3558TfsX9) in exon 44 of the TTN gene (#NM_133437.3). The normal sequence with the base that is duplicated in braces is: CAAG{G}ACTA. The c.10670dupG variant has not been reported as a disease-causing mutation or as a benign polymorphism to our knowledge. This variant causes a shift in reading frame starting at codon Leucine 3558, changing it to a Threonine, and creating a premature stop codon at position 9 of the new reading frame, denoted p.Leu3558ThrfsX9. This variant is expected to result in either an abnormal, truncated protein product or loss of protein from this allele through nonsense-mediated mRNA decay. However, c.10670dupG is located in an alternate transcript of the TTN gene where no disease-causing mutations have been reported.With the clinical and molecular information available at this time, we cannot definitively determine if c.10670dupG is a disease-causing mutation or a rare benign variant. The variant is found in DCM-CRDM panel(s).

Biesecker Lab/Clinical Genomics Section, National Institutes of Health
Classification: Uncertain significance. Last evaluated: 2013-06-24. Review status: criteria provided, single submitter. Criteria: Ng et al. (Circ Cardiovasc Genet. 2013). Collection method: research. Allele origin: unknown. Observed: 1 variant allele. Study: ClinSeq.
Comment: The study set was not selected for affection status in relation to any cancer. Pathogenicity categories were based on literature curation. See Pubmed ID:23861362 for details.

Medical sequencing

Cardiovascular Biomedical Research Unit, Royal Brompton & Harefield NHS Foundation Trust
Classification: Uncertain significance for Primary dilated cardiomyopathy. Last evaluated: 2014-10-08. Review status: flagged submission. Criteria: Roberts et al. 2015. Collection method: research. Allele origin: germline. Inheritance: Autosomal dominant inheritance. Affected: no. Observed: 1 variant allele. Study: FHS cohort. Not counted in ClinVar's aggregate classification.
Comment: the same text as in the submission from Cardiovascular Biomedical Research Unit, Royal Brompton & Harefield NHS Foundation Trust above.
ClinVar note: Reason: This record appears to be redundant with a more recent record from the same submitter.
ClinVar note: Notes: SCV000189728 appears to be redundant with SCV000189798.

Literature cited by the submitters: PubMed 31112426 (cited by Women's Health and Genetics/Laboratory Corporation of America, LabCorp); PubMed 31691645 (cited by Women's Health and Genetics/Laboratory Corporation of America, LabCorp); PubMed 34495297 (cited by Women's Health and Genetics/Laboratory Corporation of America, LabCorp).